The following is an entry in ClinVar:

NM_001039141.3(TRIOBP):c.3068C>T (p.Ala1023Val)

Gene: TRIOBP (TRIO and F-actin binding protein; plus strand). Cytogenetic location: 22q13.1.
Variant type: single nucleotide variant.
Coding change: c.3068C>T on transcript NM_001039141.3 (MANE Select); coding-DNA position 3068, C replaced by T.
Protein change: p.Ala1023Val; replaces alanine 1023 with valine.
Molecular consequence: missense variant.
Genome position (GRCh38, 1-based): chr22:37,725,624, C>T. VCF-style: chr22-37725624-C-T. GRCh37 (hg19) VCF-style: chr22-38121631-C-T.
Other names: short protein forms A1023V.
Identifiers: ClinVar variation 198446 (VCV000198446.16), dbSNP rs201681832, ClinGen allele CA247103.

ClinVar aggregate classification (germline): Conflicting classifications of pathogenicity. Review status: criteria provided, conflicting classifications (1 of 4 stars). 4 submissions from 4 submitters: Uncertain significance (1); Likely benign (2). 1 of the submissions does not count toward it. Last evaluated 2026-01-12.

Conditions:
TRIOBP-related disorder. Also called: TRIOBP-related condition.

Allele frequency attached by ClinVar (database versions not stated): gnomAD exomes 0.00010 and 0.00022; ExAC 0.00033; 1000 Genomes Project 30x 0.00094; ESP Exome Variant Server 0.00097; 1000 Genomes Project 0.00100; gnomAD 0.00105 and 0.00116; TOPMed 0.00120.
gnomAD v4.1: 315 of 1,613,844 alleles (0.02%); highest among the groups gnomAD compares: African/African-American, 0.37%; 1 homozygote.

Submissions (4):

Labcorp Genetics (formerly Invitae), Labcorp
Classification: Likely benign. Last evaluated: 2026-01-12. Review status: criteria provided, single submitter. Criteria: Invitae Variant Classification Sherloc (09022015). Collection method: clinical testing. Allele origin: germline.

GeneDx
Classification: Likely benign. Last evaluated: 2021-09-10. Review status: criteria provided, single submitter. Criteria: GeneDx Variant Classification Process June 2021. Collection method: clinical testing. Allele origin: germline. Affected: yes.

Eurofins Ntd Llc (ga)
Classification: Uncertain significance. Last evaluated: 2018-04-10. Review status: criteria provided, single submitter. Criteria: EGL ClinVar v180209 classification definitions. Collection method: clinical testing. Allele origin: germline. Observed: 2 variant alleles, 2 heterozygotes.

PreventionGenetics, part of Exact Sciences
Classification: Likely benign for TRIOBP-related condition. Last evaluated: 2023-08-28. Review status: no assertion criteria provided. Collection method: clinical testing. Allele origin: germline. Not counted in ClinVar's aggregate classification.
Comment: This variant is classified as likely benign based on ACMG/AMP sequence variant interpretation guidelines (Richards et al. 2015 PMID: 25741868, with internal and published modifications).